The following is an entry in ClinVar:

NM_025137.4(SPG11):c.20T>C (p.Val7Ala)

Gene: SPG11 (SPG11 vesicle trafficking associated, spatacsin; minus strand). Cytogenetic location: 15q21.1.
Variant type: single nucleotide variant.
Coding change: c.20T>C on transcript NM_025137.4 (MANE Select); coding-DNA position 20, T replaced by C.
Protein change: p.Val7Ala; replaces valine 7 with alanine.
Molecular consequence: missense variant.
Genome position (GRCh38, 1-based): chr15:44,663,628, A>G on the plus strand (T>C on the coding strand, the complement: SPG11 is on the minus strand). VCF-style: chr15-44663628-A-G. GRCh37 (hg19) VCF-style: chr15-44955826-A-G.
Other names: c.20T>C, p.Val7Ala (NM_001160227.2); short protein forms V7A.
Identifiers: ClinVar variation 576140 (VCV000576140.9), dbSNP rs771083813, ClinGen allele CA392238926.

ClinVar aggregate classification (germline): Uncertain significance. Review status: criteria provided, multiple submitters, no conflicts (2 of 4 stars). 2 submissions from 2 submitters: Uncertain significance (2). Last evaluated 2025-10-21.

Conditions:
Hereditary spastic paraplegia 11. Also called: Spastic Paraplegia 11; Spastic paraplegia, mental retardation and thin corpus callosum; SPASTIC PARAPLEGIA, AUTOSOMAL RECESSIVE, COMPLICATED, WITH THIN CORPUS CALLOSUM; SPASTIC PARAPLEGIA, AUTOSOMAL RECESSIVE, WITH MENTAL IMPAIRMENT AND THIN CORPUS CALLOSUM; Nakamura Osame syndrome; Autosomal recessive hereditary spastic paraplegia, mental impairment, and thin corpus callosum. Identifiers: Orphanet 2822, MedGen C1858479, MONDO:0011445, OMIM 604360.

Allele frequency attached by ClinVar (database versions not stated): TOPMed 0.00001.

Submissions (2):

GeneDx
Classification: Uncertain significance. Last evaluated: 2025-10-21. Review status: criteria provided, single submitter. Criteria: GeneDx Variant Classification Process June 2021. Collection method: clinical testing. Allele origin: germline.
Comment: Not observed at significant frequency in large population cohorts (gnomAD); In silico analysis suggests that this missense variant does not alter protein structure/function; Has not been previously published as pathogenic or benign to our knowledge

Labcorp Genetics (formerly Invitae), Labcorp
Classification: Uncertain significance for Hereditary spastic paraplegia 11. Last evaluated: 2024-10-22. Review status: criteria provided, single submitter. Criteria: Invitae Variant Classification Sherloc (09022015). Collection method: clinical testing. Allele origin: germline.
Comment: This sequence change replaces valine, which is neutral and non-polar, with alanine, which is neutral and non-polar, at codon 7 of the SPG11 protein (p.Val7Ala). This variant is not present in population databases (gnomAD no frequency). This variant has not been reported in the literature in individuals affected with SPG11-related conditions. ClinVar contains an entry for this variant (Variation ID: 576140). An algorithm developed to predict the effect of missense changes on protein structure and function outputs the following: PolyPhen-2: "Not Available". The alanine amino acid residue is found in multiple mammalian species, which suggests that this missense change does not adversely affect protein function. In summary, the available evidence is currently insufficient to determine the role of this variant in disease. Therefore, it has been classified as a Variant of Uncertain Significance.